The following is an entry in ClinVar:

NM_003073.5(SMARCB1):c.1144G>A (p.Ala382Thr)

Gene: SMARCB1 (SWI/SNF related BAF chromatin remodeling complex subunit B1; plus strand). Cytogenetic location: 22q11.23.
Variant type: single nucleotide variant.
Coding change: c.1144G>A on transcript NM_003073.5 (MANE Select); coding-DNA position 1144, G replaced by A.
Protein change: p.Ala382Thr; replaces alanine 382 with threonine.
Molecular consequence: missense variant.
Genome position (GRCh38, 1-based): chr22:23,834,166, G>A. VCF-style: chr22-23834166-G-A. GRCh37 (hg19) VCF-style: chr22-24176353-G-A.
Other names: c.1117G>A, p.Ala373Thr (NM_001007468.3); c.1171G>A, p.Ala391Thr (NM_001317946.2); c.1198G>A, p.Ala400Thr (NM_001362877.2); short protein forms A373T, A382T, A391T, A400T.
Identifiers: ClinVar variation 3602707 (VCV003602707.3).

ClinVar aggregate classification (germline): Uncertain significance. Review status: criteria provided, multiple submitters, no conflicts (2 of 4 stars). 2 submissions from 2 submitters: Uncertain significance (2). Last evaluated 2025-06-22.

Conditions:
Rhabdoid tumor predisposition syndrome 1 (RTPS1). Also called: Familial Posterior Fossa Brain Tumor of Infancy. Identifiers: Orphanet 231108, Orphanet 69077, MedGen C1836327, MONDO:0012252, OMIM 609322.

gnomAD v4.1: 4 of 1,593,134 alleles (0.00025%); highest among the groups gnomAD compares: Non-Finnish European, 0.00034%; no homozygotes.

Submissions (2):

Labcorp Genetics (formerly Invitae), Labcorp
Classification: Uncertain significance. Last evaluated: 2025-06-22. Review status: criteria provided, single submitter. Criteria: Invitae Variant Classification Sherloc (09022015). Collection method: clinical testing. Allele origin: germline.
Comment: This sequence change replaces alanine, which is neutral and non-polar, with threonine, which is neutral and polar, at codon 382 of the SMARCB1 protein (p.Ala382Thr). This variant is not present in population databases (gnomAD no frequency). This variant has not been reported in the literature in individuals affected with SMARCB1-related conditions. ClinVar contains an entry for this variant (Variation ID: 3602707). An algorithm developed to predict the effect of missense changes on protein structure and function (PolyPhen-2) suggests that this variant is likely to be tolerated. In summary, the available evidence is currently insufficient to determine the role of this variant in disease. Therefore, it has been classified as a Variant of Uncertain Significance.

St. Jude Molecular Pathology, St. Jude Children's Research Hospital
Classification: Uncertain significance for Rhabdoid tumor predisposition syndrome 1. Last evaluated: 2024-09-24. Review status: criteria provided, single submitter. Criteria: St. Jude Assertion Criteria 2020. Collection method: clinical testing. Allele origin: germline.
Comment: The SMARCB1 c.1144G>A (p.Ala382Thr) missense change is absent in gnomAD v2.1.1. The in silico tool REVEL is inconclusive about a pathogenic or benign effect of this variant on protein function, and to our knowledge functional studies have not been performed. This variant occurs in a gene where missense variants are more likely to be damaging based on methods described by Lek et al. (PMID: 27535533). To our knowledge, this variant has not been reported in individuals with rhabdoid tumor predisposition syndrome. In summary, the evidence currently available is insufficient to determine the clinical significance of this variant. It has therefore been classified as of uncertain significance.